The following is an entry in ClinVar:

NM_022455.5(NSD1):c.5927T>C (p.Ile1976Thr)

Gene: NSD1 (nuclear receptor binding SET domain protein 1; plus strand). Cytogenetic location: 5q35.3.
Variant type: single nucleotide variant.
Coding change: c.5927T>C on transcript NM_022455.5 (MANE Select); coding-DNA position 5927, T replaced by C.
Protein change: p.Ile1976Thr; replaces isoleucine 1976 with threonine.
Molecular consequence: missense variant.
Genome position (GRCh38, 1-based): chr5:177,282,499, T>C. VCF-style: chr5-177282499-T-C. GRCh37 (hg19) VCF-style: chr5-176709500-T-C.
Other names: c.5054T>C, p.Ile1685Thr (NM_001365684.2, NM_001409308.1, NM_001409309.1 and 1 more transcripts); c.5927T>C, p.Ile1976Thr (NM_001409301.1, NM_001409302.1, NM_001409303.1); c.5507T>C, p.Ile1836Thr (NM_001409304.1); c.5174T>C, p.Ile1725Thr (NM_001409305.1); c.5165T>C, p.Ile1722Thr (NM_001409306.1, NM_001409307.1); short protein forms I1976T, I1707T, I1685T, I1722T, I1725T, I1836T.
Identifiers: ClinVar variation 436064 (VCV000436064.17), dbSNP rs587784167, ClinGen allele CA362315804.

ClinVar aggregate classification (germline): Pathogenic/Likely pathogenic. Review status: criteria provided, multiple submitters, no conflicts (2 of 4 stars). 2 submissions from 2 submitters: Pathogenic (1); Likely pathogenic (1). Last evaluated 2022-11-22.

Conditions:
Sotos syndrome (SOTOS). Also called: CEREBRAL GIGANTISM; Sotos' syndrome; Distinctive facial appearance, overgrowth in childhood, and learning disabilities or delayed development; CHROMOSOME 5q35 DELETION SYNDROME; SOTOS SYNDROME 1. Identifiers: Orphanet 821, MedGen C0175695, MONDO:0019349, OMIM 117550.

Submissions (2):

Labcorp Genetics (formerly Invitae), Labcorp
Classification: Pathogenic. Last evaluated: 2022-11-22. Review status: criteria provided, single submitter. Criteria: Invitae Variant Classification Sherloc (09022015). Collection method: clinical testing. Allele origin: germline.
Comment: This sequence change replaces isoleucine, which is neutral and non-polar, with threonine, which is neutral and polar, at codon 1976 of the NSD1 protein (p.Ile1976Thr). For these reasons, this variant has been classified as Pathogenic. Advanced modeling of protein sequence and biophysical properties (such as structural, functional, and spatial information, amino acid conservation, physicochemical variation, residue mobility, and thermodynamic stability) performed at Invitae indicates that this missense variant is expected to disrupt NSD1 protein function. ClinVar contains an entry for this variant (Variation ID: 436064). This missense change has been observed in individual(s) with Sotos syndrome and features consistent with an NSD1-related condition (PMID: 22924495; Invitae). In at least one individual the variant was observed to be de novo. This variant is not present in population databases (gnomAD no frequency).

Genetic Services Laboratory, University of Chicago
Classification: Likely pathogenic for Sotos syndrome 1. Last evaluated: 2016-09-20. Review status: criteria provided, single submitter. Criteria: ACMG Guidelines, 2015. Collection method: clinical testing. Allele origin: germline. Affected: yes.

Literature cited by the submitters: PubMed 22924495 (cited by Labcorp Genetics (formerly Invitae), Labcorp).